The following is an entry in ClinVar:

ClinVar aggregate classification (germline): Benign. Review status: criteria provided, multiple submitters, no conflicts (2 of 4 stars). 5 submissions from 4 submitters: Benign (5). Last evaluated 2025-11-03.

Conditions:
Intrauterine growth retardation, metaphyseal dysplasia, adrenal hypoplasia congenita, genital anomalies, and immunodeficiency. Also called: IMAGEI SYNDROME. Identifiers: MedGen C5193036, MONDO:0032684, OMIM 618336.
Facial dysmorphism-immunodeficiency-livedo-short stature syndrome. Also called: Facial dysmorphism, immunodeficiency, livedo, and short stature; FILS syndrome. Identifiers: Orphanet 352712, MedGen C3554576, MONDO:0014058, OMIM 615139.

Allele frequency attached by ClinVar (database versions not stated): gnomAD exomes 0.60382 and 0.64864; ExAC 0.64479; ESP Exome Variant Server 0.65654; gnomAD 0.67175 and 0.67309; TOPMed 0.68795; 1000 Genomes Project 0.71346; 1000 Genomes Project 30x 0.71736.
gnomAD v4.1: 979,548 of 1,604,328 alleles (61%); highest among the groups gnomAD compares: African/African-American, 81%; 303,043 homozygotes.

Submissions (5):

Labcorp Genetics (formerly Invitae), Labcorp
Classification: Benign. Last evaluated: 2025-11-03. Review status: criteria provided, single submitter. Criteria: Invitae Variant Classification Sherloc (09022015). Collection method: clinical testing. Allele origin: germline.

Genome-Nilou Lab
Classification: Benign for Facial dysmorphism-immunodeficiency-livedo-short stature syndrome. Last evaluated: 2021-10-25. Review status: criteria provided, single submitter. Criteria: ACMG Guidelines, 2015. Collection method: clinical testing. Allele origin: germline. Affected: no.

Genome-Nilou Lab
Classification: Benign for Intrauterine growth retardation, metaphyseal dysplasia, adrenal hypoplasia congenita, genital anomalies, and immunodeficiency. Last evaluated: 2021-10-25. Review status: criteria provided, single submitter. Criteria: ACMG Guidelines, 2015. Collection method: clinical testing. Allele origin: germline. Affected: no.

GeneDx
Classification: Benign. Last evaluated: 2018-06-20. Review status: criteria provided, single submitter. Criteria: GeneDx Variant Classification (06012015). Collection method: clinical testing. Allele origin: germline. Affected: yes.
Comment: This variant is considered likely benign or benign based on one or more of the following criteria: it is a conservative change, it occurs at a poorly conserved position in the protein, it is predicted to be benign by multiple in silico algorithms, and/or has population frequency not consistent with disease.

Breakthrough Genomics
Classification: Benign. Review status: criteria provided, single submitter. Criteria: ACMG Guidelines, 2015. Collection method: not provided. Allele origin: germline. Inheritance: Autosomal recessive inheritance. Affected: yes.

NM_006231.4(POLE):c.5812-21G>A

Gene: POLE (DNA polymerase epsilon, catalytic subunit; minus strand). Cytogenetic location: 12q24.33.
Variant type: single nucleotide variant.
Coding change: c.5812-21G>A on transcript NM_006231.4 (MANE Select); 21 bases into the intron before coding-DNA position 5812, G replaced by A.
Molecular consequence: intron variant.
Genome position (GRCh38, 1-based): chr12:132,634,399, C>T on the plus strand (G>A on the coding strand, the complement: POLE is on the minus strand). VCF-style: chr12-132634399-C-T. GRCh37 (hg19) VCF-style: chr12-133210985-C-T.
Identifiers: ClinVar variation 676506 (VCV000676506.9), dbSNP rs5745005, ClinGen allele CA6892365.
Genomic context (GRCh38, chr12:132,634,399, plus strand): 5'-CCTGCTCATCCTCTGCTCCCCCTGCTTTCTGGGAGTCTTGCTGTAACACATGAGACAACG[C>T]GGCTGTGTTTGCACCATCGCGGCCTGGTAGAGGGGTAGGATGCCACAGCGAAGGCTCCTC-3'